The following is an entry in ClinVar:

Conditions:
Breast-ovarian cancer, familial, susceptibility to, 1 (BROVCA1). Also called: BRCA1 Hereditary Breast and Ovarian Cancer; OVARIAN CANCER, SUSCEPTIBILITY TO. Identifiers: Orphanet 145, MedGen C2676676, MONDO:0011450, OMIM 604370. Disease mechanism: loss of function.

Submission:

Brotman Baty Institute, University of Washington
No classification provided (evidence only). Condition: Breast-ovarian cancer, familial 1. Review status: no classification provided. Collection method: in vitro. Allele origin: not applicable. Functional consequence: functionally_normal.
ClinVar note: "not provided" was previously submitted as the classification for the variant. However, the classification appeared to be based only on an observation of functional data so it was converted to no classification on 2025-07-30.

NM_007294.4(BRCA1):c.214A>C (p.Ser72Arg)

Gene: BRCA1 (BRCA1 DNA repair associated; minus strand). Cytogenetic location: 17q21.31.
Variant type: single nucleotide variant.
Coding change: c.214A>C on transcript NM_007294.4 (MANE Select); coding-DNA position 214, A replaced by C.
Protein change: p.Ser72Arg; replaces serine 72 with arginine.
Molecular consequence: missense variant. On other transcripts: non-coding transcript variant (1).
Genome position (GRCh38, 1-based): chr17:43,104,955, T>G on the plus strand (A>C on the coding strand, the complement: BRCA1 is on the minus strand). VCF-style: chr17-43104955-T-G. GRCh37 (hg19) VCF-style: chr17-41256972-T-G.
Other names: c.73A>C, p.Ser25Arg (NM_001408452.1, NM_001408453.1, NM_001408454.1 and 99 more transcripts); c.214A>C, p.Ser72Arg (NM_001408472.1, NM_001408473.1, NM_001408494.1 and 168 more transcripts); c.136A>C, p.Ser46Arg (NM_001408474.1, NM_001408475.1, NM_001408476.1 and 21 more transcripts); c.4A>C, p.Ser2Arg (NM_001408478.1, NM_001408479.1, NM_001408480.1 and 58 more transcripts); c.-168A>C (NM_001408510.1, NM_001408512.1, NM_001407959.1 and 4 more transcripts); c.82A>C, p.Ser28Arg (NM_001408451.1); short protein forms S25R, S72R, S28R, S46R, S2R.
Identifiers: ClinVar variation 867972 (VCV000867972.3), dbSNP rs2054698736, ClinGen allele CA10601735.